The following is an entry in ClinVar:

NM_000092.5(COL4A4):c.870+4G>A

Gene: COL4A4 (collagen type IV alpha 4 chain; minus strand). Cytogenetic location: 2q36.3.
Variant type: single nucleotide variant.
Coding change: c.870+4G>A on transcript NM_000092.5 (MANE Select); 4 bases into the intron after coding-DNA position 870, G replaced by A.
Molecular consequence: intron variant.
Genome position (GRCh38, 1-based): chr2:227,103,140, C>T on the plus strand (G>A on the coding strand, the complement: COL4A4 is on the minus strand). VCF-style: chr2-227103140-C-T. GRCh37 (hg19) VCF-style: chr2-227967856-C-T.
Identifiers: ClinVar variation 4738369 (VCV004738369.1).

ClinVar aggregate classification (germline): Uncertain significance (1 of 4 stars; one submission).

gnomAD v4.1: 7 of 1,603,562 alleles (0.00044%); highest among the groups gnomAD compares: East Asian, 0.016%; no homozygotes.

Submission:

Labcorp Genetics (formerly Invitae), Labcorp
Classification: Uncertain significance. Last evaluated: 2025-05-24. Review status: criteria provided, single submitter. Criteria: Invitae Variant Classification Sherloc (09022015). Collection method: clinical testing. Allele origin: germline.
Comment: This sequence change falls in intron 14 of the COL4A4 gene. It does not directly change the encoded amino acid sequence of the COL4A4 protein. It affects a nucleotide within the consensus splice site. This variant is present in population databases (rs749848665, gnomAD 0.04%). This variant has not been reported in the literature in individuals affected with COL4A4-related conditions. Variants that disrupt the consensus splice site are a relatively common cause of aberrant splicing (PMID: 17576681, 9536098). Algorithms developed to predict the effect of sequence changes on RNA splicing suggest that this variant is not likely to affect RNA splicing. In summary, the available evidence is currently insufficient to determine the role of this variant in disease. Therefore, it has been classified as a Variant of Uncertain Significance.

Literature cited by the submitters: PubMed 17576681; PubMed 9536098.